The following is an entry in ClinVar:

NM_001278116.2(L1CAM):c.3531-1G>A

Gene: L1CAM (L1 cell adhesion molecule; minus strand). Cytogenetic location: Xq28.
Variant type: single nucleotide variant.
Coding change: c.3531-1G>A on transcript NM_001278116.2 (MANE Select); the canonical splice acceptor site of the intron before coding-DNA position 3531, G replaced by A.
Molecular consequence: splice acceptor variant. On other transcripts: intron variant (2).
Genome position (GRCh38, 1-based): chrX:153,863,380, C>T on the plus strand (G>A on the coding strand, the complement: L1CAM is on the minus strand). VCF-style: chrX-153863380-C-T. GRCh37 (hg19) VCF-style: chrX-153128835-C-T.
Other names: c.3530+97G>A (NM_024003.3); c.3531-1G>A (NM_000425.5); c.3515+97G>A (NM_001143963.2).
Identifiers: ClinVar variation 1326276 (VCV001326276.3), dbSNP rs2148492410, ClinGen allele CA415108160.

ClinVar aggregate classification (germline): Conflicting classifications of pathogenicity. Review status: criteria provided, conflicting classifications (1 of 4 stars). 2 submissions from 2 submitters: Likely pathogenic (1); Uncertain significance (1). Last evaluated 2024-02-14.

Conditions:
Spastic paraplegia. Identifiers: MedGen C0037772, HP:0001258.
MASA syndrome. Also called: GAREIS-MASON SYNDROME; MENTAL RETARDATION, APHASIA, SHUFFLING GAIT, AND ADDUCTED THUMBS; MASA Syndrome (Mental Retardation, Adducted Thumbs, Shuffling Gait, and Aphasia); SPASTIC PARAPLEGIA 1, X-LINKED; MASA (Mental Retardation, Adducted Thumbs, Shuffling Gait, Aphasia) Syndrome, Including SPG1 (X-Linked Complicated Hereditary Spastic Paraplegia Type 1); CRASH syndrome. Identifiers: Orphanet 2466, MedGen C0795953, MONDO:0010559, OMIM 303350.

Submissions (2):

Labcorp Genetics (formerly Invitae), Labcorp
Classification: Likely pathogenic for Spastic paraplegia. Last evaluated: 2024-02-14. Review status: criteria provided, single submitter. Criteria: Invitae Variant Classification Sherloc (09022015). Collection method: clinical testing. Allele origin: germline.
Comment: This sequence change affects an acceptor splice site in intron 26 of the L1CAM gene. It is expected to disrupt RNA splicing. Variants that disrupt the donor or acceptor splice site typically lead to a loss of protein function (PMID: 16199547), and loss-of-function variants in L1CAM are known to be pathogenic (PMID: 19846429). This variant is not present in population databases (gnomAD no frequency). Disruption of this splice site has been observed in individual(s) with hydrocephalus (PMID: 19846429). ClinVar contains an entry for this variant (Variation ID: 1326276). Algorithms developed to predict the effect of sequence changes on RNA splicing suggest that this variant may disrupt the consensus splice site. In summary, the currently available evidence indicates that the variant is pathogenic, but additional data are needed to prove that conclusively. Therefore, this variant has been classified as Likely Pathogenic.

CENTOGENE GmbH and LLC - Guiding Precision Medicine
Classification: Uncertain significance for MASA syndrome. Last evaluated: 2021-09-01. Review status: criteria provided, single submitter. Criteria: ACMG Guidelines, 2015. Collection method: clinical testing. Allele origin: de novo.

Literature cited by the submitters: PubMed 16199547 (cited by Labcorp Genetics (formerly Invitae), Labcorp); PubMed 19846429 (cited by Labcorp Genetics (formerly Invitae), Labcorp).